The following is an entry in ClinVar:

NM_001009944.3(PKD1):c.7619C>G (p.Pro2540Arg)

Gene: PKD1 (polycystin 1, transient receptor potential channel interacting; minus strand). Cytogenetic location: 16p13.3.
Variant type: single nucleotide variant.
Coding change: c.7619C>G on transcript NM_001009944.3 (MANE Select); coding-DNA position 7619, C replaced by G.
Protein change: p.Pro2540Arg; replaces proline 2540 with arginine.
Molecular consequence: missense variant.
Genome position (GRCh38, 1-based): chr16:2,106,175, G>C on the plus strand (C>G on the coding strand, the complement: PKD1 is on the minus strand). VCF-style: chr16-2106175-G-C. GRCh37 (hg19) VCF-style: chr16-2156176-G-C.
Other names: c.7619C>G, p.Pro2540Arg (NM_000296.4); short protein forms P2540R.
Identifiers: ClinVar variation 4847101 (VCV004847101.1).

ClinVar aggregate classification (germline): Uncertain significance (1 of 4 stars; one submission).

Submission:

Women's Health and Genetics/Laboratory Corporation of America, LabCorp
Classification: Uncertain significance. Last evaluated: 2026-03-18. Review status: criteria provided, single submitter. Criteria: LabCorp Variant Classification Summary - May 2015. Collection method: clinical testing. Allele origin: germline.
Comment: Variant summary: PKD1 c.7619C>G (p.Pro2540Arg) results in a non-conservative amino acid change in the encoded protein sequence. Algorithms developed to predict the effect of missense changes on protein structure and function all suggest that this variant is likely to be disruptive. The variant allele was found at a frequency of 4.3e-06 in 235206 control chromosomes. The available data on variant occurrences in the general population are insufficient to allow any conclusion about variant significance. c.7619C>G has been reported as a VUS in at least two individuals affected with/suspected of Autosomal Dominant Polycystic Kidney Disease, without strong evidence for causality (e.g. Zhang_2019, Mantovani_2020). It has also been found as a somatic change in a cyst from an affected individual with a germline pathogenic PKD1 variant (Zhang_2021). These reports do not provide unequivocal conclusions about association of the variant with PKD1-related conditions. To our knowledge, no experimental evidence demonstrating an impact on protein function has been reported. The following publications have been ascertained in the context of this evaluation (PMID: 32457805, 39705090, 34716216, 29633482). No submitters have cited clinical-significance assessments for this variant to ClinVar. Based on the evidence outlined above, the variant was classified as uncertain significance.

Literature cited by the submitters: PubMed 32457805; PubMed 29633482; PubMed 39705090; PubMed 34716216.